The following is an entry in ClinVar:

ClinVar aggregate classification (germline): Likely pathogenic (1 of 4 stars; one submission).

Conditions:
Autosomal recessive limb-girdle muscular dystrophy type 2A (LGMDR1). Also called: LEYDEN-MOEBIUS MUSCULAR DYSTROPHY; MUSCULAR DYSTROPHY, PELVOFEMORAL; Muscular dystrophy, limb-girdle, type 2A, Amish; Calpainopathy; Limb-girdle muscular dystrophy, type 2A. Identifiers: Orphanet 267, MedGen C1869123, MONDO:0009675, OMIM 253600. Disease mechanism: loss of function.

Allele frequency attached by ClinVar (database versions not stated): gnomAD exomes below 0.00001.

Submission:

3billion
Classification: Likely pathogenic for Autosomal recessive limb-girdle muscular dystrophy type 2A. Last evaluated: 2022-01-03. Review status: criteria provided, single submitter. Criteria: ACMG Guidelines, 2015. Collection method: clinical testing. Allele origin: germline. Affected: yes. Observed: 1 heterozygote.
Comment: Same nucleotide change resulting in same amino acid change has been previously reported to be associated with CAPN3 related disorder (PMID:27363342). The variant has been reported to be in trans with a pathogenic variant as either compound heterozygous or homozygous in at least 2 similarly affected unrelated individuals(PMID: 27363342, PM3_S).A different missense change at the same codon has been reported to be associated with CAPN3 related disorder (PMID:31937337, PM5_P). In silico tool predictions suggest damaging effect of the variant on gene or gene product (REVEL: 0.894, 3CNET: 0.764, PP3_P). It is not observed in the gnomAD v2.1.1 dataset (PM2_M). Therefore, this variant is classified as likely pathogenic according to the recommendation of ACMG/AMP guideline.

Literature cited by the submitters: PubMed 27363342; PubMed 31937337.

NM_000070.3(CAPN3):c.2312C>T (p.Ala771Val)

Gene: CAPN3 (calpain 3; plus strand). Cytogenetic location: 15q15.1.
Variant type: single nucleotide variant.
Coding change: c.2312C>T on transcript NM_000070.3 (MANE Select); coding-DNA position 2312, C replaced by T.
Protein change: p.Ala771Val; replaces alanine 771 with valine.
Molecular consequence: missense variant.
Genome position (GRCh38, 1-based): chr15:42,410,932, C>T. VCF-style: chr15-42410932-C-T. GRCh37 (hg19) VCF-style: chr15-42703130-C-T.
Other names: c.2294C>T, p.Ala765Val (NM_024344.2); c.2036C>T, p.Ala679Val (NM_173087.2); c.776C>T, p.Ala259Val (NM_173088.2); c.317C>T, p.Ala106Val (NM_173089.2, NM_173090.2); short protein forms A106V, A259V, A679V, A765V, A771V.
Identifiers: ClinVar variation 1333344 (VCV001333344.1), dbSNP rs752397587, ClinGen allele CA7511829.